The following is an entry in ClinVar:

NM_000101.4(CYBA):c.533dup (p.Pro179fs)

Gene: CYBA (cytochrome b-245 alpha chain; minus strand). Cytogenetic location: 16q24.2.
Variant type: Duplication.
Coding change: c.533dup on transcript NM_000101.4 (MANE Select); coding-DNA position 533, one base duplicated (G; older notation c.533dupG).
Protein change: p.Pro179fs; shifts the reading frame from proline 179.
Molecular consequence: frameshift variant.
Genome position (GRCh38, 1-based): chr16:88,643,408, C duplicated on the plus strand (G on the coding strand, the reverse complement: CYBA is on the minus strand); the first of 6 consecutive C bases (chr16:88,643,408-88,643,413); duplicating any one gives the same sequence. VCF-style (leftmost placement, unchanged base first): chr16-88643407-T-TC. GRCh37 (hg19) VCF-style: chr16-88709815-T-TC.
Other names: short protein forms P179fs.
Identifiers: ClinVar variation 5003386 (VCV005003386.1).
Genomic context (GRCh38, chr16:88,643,407, plus strand): 5'-GCGAGGTCACACGACCTCGTCGGTCACCGGGATGGGGTTGACCTGGGGACCTCCCGGGGG[T>TC]CCCCCCGCCGCCACCGCAGCCTCCTCCTCGCTGGGCTTCTTGCGGGCCTCGGCCGGGGGC-3'

ClinVar aggregate classification (germline): Uncertain significance (1 of 4 stars; one submission).

Conditions:
Granulomatous disease, chronic, autosomal recessive, cytochrome b-negative. Also called: GRANULOMATOUS DISEASE, CHRONIC, AUTOSOMAL RECESSIVE, 4; CGD DUE TO DEFICIENCY OF THE ALPHA SUBUNIT OF CYTOCHROME b; CGD, AUTOSOMAL RECESSIVE CYTOCHROME b-NEGATIVE; CYBA DEFICIENCY; Chronic granulomatous disease, autosomal, due to deficiency of CYBA. Identifiers: Orphanet 379, MedGen C1856255, MONDO:0009308, OMIM 233690.

Submission:

Myriad Genetics, Inc.
Classification: Uncertain significance for Granulomatous disease, chronic, autosomal recessive, cytochrome b-negative. Last evaluated: 2026-08-04. Review status: criteria provided, single submitter. Criteria: Myriad Autosomal Dominant, Autosomal Recessive and X-Linked Classification Criteria (2023). Collection method: clinical testing. Allele origin: unknown.
Comment: NM_000101.3(CYBA):c.533dupG(P179Tfs*34) is a readthrough frameshift variant classified as a variant of uncertain significance in the context of chronic granulomatous disease, CYBA-related. P179Tfs*34 has not been observed in cases with relevant disease. Relevant functional assessments of this variant are not available in the literature. P179Tfs*34 has not been observed in referenced population frequency databases. In summary, there is insufficient evidence to classify NM_000101.3(CYBA):c.533dupG(P179Tfs*34) as pathogenic or benign. Please note: this variant was assessed in the context of healthy population screening.